The following is an entry in ClinVar:

NM_153252.5(BRWD3):c.591+5G>C

Gene: BRWD3 (bromodomain and WD repeat domain containing 3; minus strand). Cytogenetic location: Xq21.1.
Variant type: single nucleotide variant.
Coding change: c.591+5G>C on transcript NM_153252.5 (MANE Select); 5 bases into the intron after coding-DNA position 591, G replaced by C.
Molecular consequence: intron variant.
Genome position (GRCh38, 1-based): chrX:80,745,564, C>G on the plus strand (G>C on the coding strand, the complement: BRWD3 is on the minus strand). VCF-style: chrX-80745564-C-G. GRCh37 (hg19) VCF-style: chrX-80001063-C-G.
Other names: c.591+5G>C (NM_001441339.1).
Identifiers: ClinVar variation 4216423 (VCV004216423.2).
Genomic context (GRCh38, chrX:80,745,564, plus strand): 5'-CATGCAGTCTGGCTTCAATTGTTGTAATTCTATATATGTTACCATATTATAAATTTTACA[C>G]TCACTGTAAAAATTCTTCTCCCGCTTCGGTCAAATGCTACACAGTAGACAGATGACAAGT-3'

ClinVar aggregate classification (germline): Conflicting classifications of pathogenicity. Review status: criteria provided, conflicting classifications (1 of 4 stars). 2 submissions from 2 submitters: Likely pathogenic (1); Uncertain significance (1). Last evaluated 2025-07-11.

Conditions:
Inborn genetic diseases. Identifiers: MedGen C0950123, MeSH D030342.

Submissions (2):

Ambry Genetics
Classification: Likely pathogenic for Inborn genetic diseases. Last evaluated: 2025-07-11. Review status: criteria provided, single submitter. Criteria: Ambry Variant Classification Scheme 2023. Collection method: clinical testing. Allele origin: germline.
Comment: The c.591+5G>C intronic alteration results from a G to C substitution 5 nucleotides after coding exon 7 of the BRWD3 gene. This variant was not reported in population-based cohorts in the Genome Aggregation Database (gnomAD). This nucleotide position is highly conserved in available vertebrate species. In silico splice site analysis predicts that this alteration will weaken the native splice donor site. Based on the available evidence, this alteration is classified as likely pathogenic.

Labcorp Genetics (formerly Invitae), Labcorp
Classification: Uncertain significance. Last evaluated: 2025-03-25. Review status: criteria provided, single submitter. Criteria: Invitae Variant Classification Sherloc (09022015). Collection method: clinical testing. Allele origin: germline.
Comment: This sequence change falls in intron 7 of the BRWD3 gene. It does not directly change the encoded amino acid sequence of the BRWD3 protein. It affects a nucleotide within the consensus splice site. This variant is not present in population databases (gnomAD no frequency). This variant has not been reported in the literature in individuals affected with BRWD3-related conditions. Variants that disrupt the consensus splice site are a relatively common cause of aberrant splicing (PMID: 17576681, 9536098). Algorithms developed to predict the effect of sequence changes on RNA splicing suggest that this variant may disrupt the consensus splice site. In summary, the available evidence is currently insufficient to determine the role of this variant in disease. Therefore, it has been classified as a Variant of Uncertain Significance.

Literature cited by the submitters: PubMed 17576681 (cited by Labcorp Genetics (formerly Invitae), Labcorp); PubMed 9536098 (cited by Labcorp Genetics (formerly Invitae), Labcorp).